The following is an entry in ClinVar:

ClinVar aggregate classification (germline): Benign/Likely benign. Review status: criteria provided, multiple submitters, no conflicts (2 of 4 stars). 11 submissions from 11 submitters: Benign (4); Likely benign (4). 3 of the submissions do not count toward it. Last evaluated 2026-05-01.

Conditions:
TRPM4-related disorder. Also called: TRPM4-related disorders; TRPM4-related condition. Identifiers: MedGen CN239424.
Cardiovascular phenotype. Identifiers: MedGen CN230736.
Progressive familial heart block type IB (PFHB1B). Identifiers: Orphanet 871, MedGen C1970298, MONDO:0011474, OMIM 604559.

Allele frequency attached by ClinVar (database versions not stated): gnomAD exomes 0.00008 and 0.00163; 1000 Genomes Project 30x 0.00406; gnomAD 0.00662 and 0.00672; TOPMed 0.01448; 1000 Genomes Project 0.01597; ESP Exome Variant Server 0.01761; ExAC 0.02114.
gnomAD v4.1: 3,299 of 1,566,778 alleles (0.21%); highest among the groups gnomAD compares: South Asian, 0.47%; 51 homozygotes.

Submissions (11):

CeGaT Center for Human Genetics Tuebingen
Classification: Likely benign. Last evaluated: 2026-05-01. Review status: criteria provided, single submitter. Criteria: CeGaT Center For Human Genetics Tuebingen Variant Classification Criteria Version 2. Collection method: clinical testing. Allele origin: germline. Affected: yes. Observed: 29 variant alleles.
Comment: TRPM4: BP4, BS2

Labcorp Genetics (formerly Invitae), Labcorp
Classification: Benign for Progressive familial heart block type IB. Last evaluated: 2026-02-03. Review status: criteria provided, single submitter. Criteria: Invitae Variant Classification Sherloc (09022015). Collection method: clinical testing. Allele origin: germline.

Blueprint Genetics
Classification: Likely benign. Last evaluated: 2024-11-27. Review status: criteria provided, single submitter. Criteria: ACMG Guidelines, 2015. Collection method: clinical testing. Allele origin: germline.

Women's Health and Genetics/Laboratory Corporation of America, LabCorp
Classification: Benign. Last evaluated: 2023-10-19. Review status: criteria provided, single submitter. Criteria: LabCorp Variant Classification Summary - May 2015. Collection method: clinical testing. Allele origin: germline.
Comment: Variant summary: TRPM4 c.301G>A (p.Ala101Thr) results in a non-conservative amino acid change in the encoded protein sequence. Four of five in-silico tools predict a benign effect of the variant on protein function. The variant allele was found at a frequency of 8.3e-05 in 241570 control chromosomes. The observed variant frequency is approximately 33 fold of the estimated maximal expected allele frequency for a pathogenic variant in TRPM4 causing Progressive Familial Heart Block Type 1B phenotype (2.5e-06), strongly suggesting that the variant is benign. To our knowledge, no occurrence of c.301G>A in individuals affected with Progressive Familial Heart Block Type 1B and no experimental evidence demonstrating its impact on protein function have been reported. Four submitters have cited clinical-significance assessments for this variant to ClinVar after 2014. All submitters classified the variant as benign/likely benign. Based on the evidence outlined above, the variant was classified as benign.

Illumina Laboratory Services, Illumina
Classification: Likely benign for Progressive familial heart block type IB. Last evaluated: 2018-01-12. Review status: criteria provided, single submitter. Criteria: ICSL Variant Classification Criteria 13 December 2019. Collection method: clinical testing. Allele origin: germline.
Comment: This variant was observed in the ICSL laboratory as part of a predisposition screen in an ostensibly healthy population. It had not been previously curated by ICSL or reported in the Human Gene Mutation Database (HGMD: prior to June 1st, 2018), and was therefore a candidate for classification through an automated scoring system. Utilizing variant allele frequency, disease prevalence and penetrance estimates, and inheritance mode, an automated score was calculated to assess if this variant is too frequent to cause the disease. Based on the score and internal cut-off values, a variant classified as likely benign is not then subjected to further curation. The score for this variant resulted in a classification of likely benign for this disease.

GeneDx
Classification: Benign. Last evaluated: 2016-09-29. Review status: criteria provided, single submitter. Criteria: GeneDx Variant Classification (06012015). Collection method: clinical testing. Allele origin: germline. Affected: yes.
Comment: This variant is considered likely benign or benign based on one or more of the following criteria: it is a conservative change, it occurs at a poorly conserved position in the protein, it is predicted to be benign by multiple in silico algorithms, and/or has population frequency not consistent with disease.

Ambry Genetics
Classification: Benign for Cardiovascular phenotype. Last evaluated: 2015-12-15. Review status: criteria provided, single submitter. Criteria: Ambry Variant Classification Scheme 2023. Collection method: clinical testing. Allele origin: germline.

Breakthrough Genomics
Classification: Likely benign. Review status: criteria provided, single submitter. Criteria: ACMG Guidelines, 2015. Collection method: not provided. Allele origin: germline. Inheritance: Autosomal dominant inheritance. Affected: yes.

PreventionGenetics, part of Exact Sciences
Classification: Likely benign for TRPM4-related condition. Last evaluated: 2020-11-02. Review status: no assertion criteria provided. Collection method: clinical testing. Allele origin: germline. Not counted in ClinVar's aggregate classification.
Comment: This variant is classified as likely benign based on ACMG/AMP sequence variant interpretation guidelines (Richards et al. 2015 PMID: 25741868, with internal and published modifications).

Clinical Genetics, Academic Medical Center
Classification: Benign. Review status: no assertion criteria provided. Collection method: clinical testing. Allele origin: germline. Affected: yes. Study: VKGL Data-share Consensus. Not counted in ClinVar's aggregate classification.

Joint Genome Diagnostic Labs from Nijmegen and Maastricht, Radboudumc and MUMC+
Classification: Benign. Review status: no assertion criteria provided. Collection method: clinical testing. Allele origin: germline. Affected: yes. Study: VKGL Data-share Consensus. Not counted in ClinVar's aggregate classification.

NM_017636.4(TRPM4):c.301G>A (p.Ala101Thr)

Gene: TRPM4 (transient receptor potential cation channel subfamily M member 4; plus strand). Cytogenetic location: 19q13.33.
Variant type: single nucleotide variant.
Coding change: c.301G>A on transcript NM_017636.4 (MANE Select); coding-DNA position 301, G replaced by A.
Protein change: p.Ala101Thr; replaces alanine 101 with threonine.
Molecular consequence: missense variant. On other transcripts: intron variant (4).
Genome position (GRCh38, 1-based): chr19:49,167,950, G>A. VCF-style: chr19-49167950-G-A. GRCh37 (hg19) VCF-style: chr19-49671207-G-A.
Other names: c.301G>A, p.Ala101Thr (NM_001195227.2); c.-1105-310G>A (NM_001321282.2); c.268-603G>A (NM_001321281.2); c.-74-310G>A (NM_001321283.2); c.-237-603G>A (NM_001321285.2); short protein forms A101T.
Identifiers: ClinVar variation 220959 (VCV000220959.48), dbSNP rs113984787, ClinGen allele CA350173.